The following is an entry in ClinVar:

NM_000069.3(CACNA1S):c.5480T>A (p.Ile1827Asn)

Gene: CACNA1S (calcium voltage-gated channel subunit alpha1 S; minus strand). Cytogenetic location: 1q32.1.
Variant type: single nucleotide variant.
Coding change: c.5480T>A on transcript NM_000069.3 (MANE Select); coding-DNA position 5480, T replaced by A.
Protein change: p.Ile1827Asn; replaces isoleucine 1827 with asparagine.
Molecular consequence: missense variant.
Genome position (GRCh38, 1-based): chr1:201,039,973, A>T on the plus strand (T>A on the coding strand, the complement: CACNA1S is on the minus strand). VCF-style: chr1-201039973-A-T. GRCh37 (hg19) VCF-style: chr1-201009101-A-T.
Other names: short protein forms I1827N.
Identifiers: ClinVar variation 857485 (VCV000857485.9), dbSNP rs373693197, ClinGen allele CA35989043.

ClinVar aggregate classification (germline): Uncertain significance. Review status: criteria provided, multiple submitters, no conflicts (2 of 4 stars). 3 submissions from 3 submitters: Uncertain significance (3). Last evaluated 2024-03-20.

Conditions:
Congenital myopathy 18. Also called: DIHYDROPYRIDINE RECEPTOR CONGENITAL MYOPATHY; DHPR CONGENITAL MYOPATHY; Myopathy, congenital, due to dihydropyridine receptor defect. Identifiers: MedGen C5830283, MONDO:0859514, OMIM 620246.
Hypokalemic periodic paralysis, type 1. Also called: Hypokalemic Periodic Paralysis Type 1 (AD); HypoPP. Identifiers: Orphanet 681, MedGen C3714580, MONDO:0042979, OMIM 170400.
Thyrotoxic periodic paralysis, susceptibility to, 1 (TTPP1). Identifiers: Orphanet 79102, MedGen C2749982, MONDO:0008570, OMIM 188580.
Malignant hyperthermia, susceptibility to, 5 (MHS5). Also called: CACNA1S-Related Malignant Hyperthermia Susceptibility. Identifiers: Orphanet 423, MedGen C1866077, MONDO:0011163, OMIM 601887.

Allele frequency attached by ClinVar (database versions not stated): gnomAD exomes below 0.00001.
gnomAD v4.1: 8 of 1,614,166 alleles (0.0005%); highest among the groups gnomAD compares: East Asian, 0.0045%; no homozygotes.

Submissions (3):

Fulgent Genetics
Classification: Uncertain significance for Hypokalemic periodic paralysis, type 1; Thyrotoxic periodic paralysis, susceptibility to, 1; Malignant hyperthermia, susceptibility to, 5; Congenital myopathy 18. Last evaluated: 2024-03-20. Review status: criteria provided, single submitter. Criteria: ACMG Guidelines, 2015. Collection method: clinical testing. Allele origin: germline.

All of Us Research Program, National Institutes of Health
Classification: Uncertain significance for Malignant hyperthermia, susceptibility to, 5. Last evaluated: 2023-08-15. Review status: criteria provided, single submitter. Criteria: ACMG Guidelines, 2015. Collection method: clinical testing. Allele origin: germline. Inheritance: Autosomal dominant inheritance. Observed: 2 variant alleles, 2 heterozygotes.
Comment: This missense variant replaces isoleucine with asparagine at codon 1827 of the CACNA1S protein. Computational prediction suggests that this variant may not impact protein structure and function (internally defined REVEL score threshold <= 0.5, PMID: 27666373). To our knowledge, functional studies have not been reported for this variant. This variant has not been reported in individuals affected with CACNA1S-related disorders in the literature. This variant has not been identified in the general population by the Genome Aggregation Database (gnomAD). The available evidence is insufficient to determine the role of this variant in disease conclusively. Therefore, this variant is classified as a Variant of Uncertain Significance.

This study involves interpretation of variants in research participants for the purpose of population health screening. Participant phenotype was not available at the time of variant classification. Additional details can be found in publication PMID: 35346344, PMCID: PMC8962531

Labcorp Genetics (formerly Invitae), Labcorp
Classification: Uncertain significance for Hypokalemic periodic paralysis, type 1; Malignant hyperthermia, susceptibility to, 5. Last evaluated: 2023-05-24. Review status: criteria provided, single submitter. Criteria: Invitae Variant Classification Sherloc (09022015). Collection method: clinical testing. Allele origin: germline.
Comment: In summary, the available evidence is currently insufficient to determine the role of this variant in disease. Therefore, it has been classified as a Variant of Uncertain Significance. Advanced modeling of protein sequence and biophysical properties (such as structural, functional, and spatial information, amino acid conservation, physicochemical variation, residue mobility, and thermodynamic stability) performed at Invitae indicates that this missense variant is not expected to disrupt CACNA1S protein function. ClinVar contains an entry for this variant (Variation ID: 857485). This variant has not been reported in the literature in individuals affected with CACNA1S-related conditions. This variant is not present in population databases (gnomAD no frequency). This sequence change replaces isoleucine, which is neutral and non-polar, with asparagine, which is neutral and polar, at codon 1827 of the CACNA1S protein (p.Ile1827Asn).